The following is an entry in ClinVar:

ClinVar aggregate classification (germline): Pathogenic/Likely pathogenic. Review status: criteria provided, multiple submitters, no conflicts (2 of 4 stars). 2 submissions from 2 submitters: Pathogenic (1); Likely pathogenic (1). Last evaluated 2024-03-05.

Conditions:
Cerebrooculofacioskeletal syndrome 2 (COFS2). Identifiers: MedGen C1853102, MONDO:0012553, OMIM 610756.

Allele frequency attached by ClinVar (database versions not stated): gnomAD 0.00001; ExAC 0.00002; TOPMed 0.00002; gnomAD exomes 0.00003.

Submissions (2):

Baylor Genetics
Classification: Likely pathogenic for Cerebrooculofacioskeletal syndrome 2. Last evaluated: 2024-03-05. Review status: criteria provided, single submitter. Criteria: ACMG Guidelines, 2015. Collection method: clinical testing. Allele origin: unknown.

Labcorp Genetics (formerly Invitae), Labcorp
Classification: Pathogenic. Last evaluated: 2023-08-23. Review status: criteria provided, single submitter. Criteria: Invitae Variant Classification Sherloc (09022015). Collection method: clinical testing. Allele origin: germline.
Comment: This variant has not been reported in the literature in individuals affected with ERCC2-related conditions. For these reasons, this variant has been classified as Pathogenic. This variant disrupts a region of the ERCC2 protein in which other variant(s) (p.Arg722Trp) have been determined to be pathogenic (PMID: 31282071, 31803976). This suggests that this is a clinically significant region of the protein, and that variants that disrupt it are likely to be disease-causing. This variant is present in population databases (rs757535186, gnomAD 0.003%). This sequence change results in a frameshift in the ERCC2 gene (p.Arg669Glyfs*104). While this is not anticipated to result in nonsense mediated decay, it is expected to disrupt the last 92 amino acid(s) of the ERCC2 protein and extend the protein by 11 additional amino acid residues.

Literature cited by the submitters: PubMed 31282071 (cited by Labcorp Genetics (formerly Invitae), Labcorp); PubMed 31803976 (cited by Labcorp Genetics (formerly Invitae), Labcorp).

NM_000400.4(ERCC2):c.2005_2006del (p.Arg669fs)

Gene: ERCC2 (ERCC excision repair 2, TFIIH core complex helicase subunit; minus strand). Cytogenetic location: 19q13.32.
Variant type: Deletion.
Coding change: c.2005_2006del on transcript NM_000400.4 (MANE Select); coding-DNA positions 2005 to 2006, 2 bases deleted (AG; older notation c.2005_2006delAG).
Protein change: p.Arg669fs; shifts the reading frame from arginine 669.
Molecular consequence: frameshift variant.
Genome position (GRCh38, 1-based): chr19:45,352,546-45,352,547, CT deleted on the plus strand (AG on the coding strand, the reverse complement: ERCC2 is on the minus strand). VCF-style (leftmost placement, unchanged base first): chr19-45352545-CCT-C. GRCh37 (hg19) VCF-style: chr19-45855803-CCT-C.
Other names: short protein forms R669fs.
Identifiers: ClinVar variation 2675050 (VCV002675050.5), dbSNP rs757535186, ClinGen allele CA9512941.